The following is an entry in ClinVar:

ClinVar aggregate classification (germline): Uncertain significance (1 of 4 stars; one submission).

Conditions:
Autosomal dominant Parkinson disease 8. Also called: LRRK2-Related Parkinson Disease; Parkinson disease 8; Parkinson disease 8, susceptibility to. Identifiers: Orphanet 411602, MedGen C1846862, MONDO:0011764, OMIM 607060.

Submissions (2):

Labcorp Genetics (formerly Invitae), Labcorp
Classification: Uncertain significance for Autosomal dominant Parkinson disease 8. Last evaluated: 2025-07-03. Review status: criteria provided, single submitter. Criteria: Invitae Variant Classification Sherloc (09022015). Collection method: clinical testing. Allele origin: germline.
Comment: This sequence change creates a premature translational stop signal (p.Gln2127*) in the LRRK2 gene. It is expected to result in an absent or disrupted protein product. However, the current clinical and genetic evidence is not sufficient to establish whether loss-of-function variants in LRRK2 cause disease. This variant is not present in population databases (gnomAD no frequency). This variant has not been reported in the literature in individuals affected with LRRK2-related conditions. Algorithms developed to predict the effect of sequence changes on RNA splicing suggest that this variant may disrupt the consensus splice site. In summary, the available evidence is currently insufficient to determine the role of this variant in disease. Therefore, it has been classified as a Variant of Uncertain Significance.

Dr. Peter K. Rogan Lab, Western University
No classification provided (evidence only). Condition: Thyroid cancer, nonmedullary, 1. Review status: no classification provided. Collection method: in vitro. Allele origin: not applicable. Functional consequence: skipped exon. Not counted in ClinVar's aggregate classification.

NM_198578.4(LRRK2):c.6379C>T (p.Gln2127Ter)

Gene: LRRK2 (leucine rich repeat kinase 2; plus strand). Cytogenetic location: 12q12.
Variant type: single nucleotide variant.
Coding change: c.6379C>T on transcript NM_198578.4 (MANE Select); coding-DNA position 6379, C replaced by T.
Protein change: p.Gln2127Ter; replaces glutamine 2127 with a stop codon.
Molecular consequence: nonsense.
Genome position (GRCh38, 1-based): chr12:40,348,507, C>T. VCF-style: chr12-40348507-C-T. GRCh37 (hg19) VCF-style: chr12-40742309-C-T.
Other names: NC_000012.11:g.40742309C>T; short protein forms Q2127*.
Identifiers: ClinVar variation 4384188 (VCV004384188.2).